The following is an entry in ClinVar:

NM_000186.4(CFH):c.1404C>G (p.Ala468=)

Gene: CFH (complement factor H; plus strand). Cytogenetic location: 1q31.3.
Variant type: single nucleotide variant.
Coding change: c.1404C>G on transcript NM_000186.4 (MANE Select); coding-DNA position 1404, C replaced by G.
Protein change: p.Ala468=; no amino-acid change (alanine 468 retained).
Molecular consequence: synonymous variant.
Genome position (GRCh38, 1-based): chr1:196,713,802, C>G. VCF-style: chr1-196713802-C-G. GRCh37 (hg19) VCF-style: chr1-196682932-C-G.
Identifiers: ClinVar variation 4978061 (VCV004978061.1).

ClinVar aggregate classification (germline): Likely benign (1 of 4 stars; one submission).

Conditions:
CFH-related disorder. Also called: CFH-related condition; CFH-related disorders.

gnomAD v4.1: 27 of 1,609,052 alleles (0.0017%); highest among the groups gnomAD compares: South Asian, 0.022%; no homozygotes.

Submission:

PreventionGenetics, part of Exact Sciences
Classification: Likely benign for CFH-related condition. Last evaluated: 2024-10-31. Review status: criteria provided, single submitter. Criteria: ACMG Guidelines, 2015. Collection method: clinical testing. Allele origin: germline.
Comment: This variant is classified as likely benign based on ACMG/AMP sequence variant interpretation guidelines (Richards et al. 2015 PMID: 25741868, with internal and published modifications).